The following is an entry in ClinVar:

NM_006030.4(CACNA2D2):c.1400A>G (p.Asp467Gly)

Gene: CACNA2D2 (calcium voltage-gated channel auxiliary subunit alpha2delta 2; minus strand). Cytogenetic location: 3p21.31.
Variant type: single nucleotide variant.
Coding change: c.1400A>G on transcript NM_006030.4 (MANE Select); coding-DNA position 1400, A replaced by G.
Protein change: p.Asp467Gly; replaces aspartic acid 467 with glycine.
Molecular consequence: missense variant.
Genome position (GRCh38, 1-based): chr3:50,378,087, T>C on the plus strand (A>G on the coding strand, the complement: CACNA2D2 is on the minus strand). VCF-style: chr3-50378087-T-C. GRCh37 (hg19) VCF-style: chr3-50415518-T-C.
Other names: c.1400A>G (NM_001174051.1); c.1400A>G, p.Asp467Gly (NM_001005505.3, NM_001174051.3); c.1193A>G, p.Asp398Gly (NM_001291101.1); short protein forms D398G, D467G.
Identifiers: ClinVar variation 999809 (VCV000999809.6), dbSNP rs377399843, ClinGen allele CA74614540.
Genomic context (GRCh38, chr3:50,378,087, plus strand): 5'-TTGGTCCACTGCACCTGCTTGGCCTCCTTGCCTGCCAGCACCATGGGCCTGCCCAACACA[T>C]CTAGATATTCCTGGGGAGGGGGCAGTGGTGGGGGTAATGAGTGCCTTTCCCAGGCACTGC-3'
Protein context (NP_006021.2, residues 457-477): AIRINTQEYL[Asp467Gly]VLGRPMVLAG

ClinVar aggregate classification (germline): Uncertain significance. Review status: criteria provided, multiple submitters, no conflicts (2 of 4 stars). 2 submissions from 2 submitters: Uncertain significance (2). Last evaluated 2025-06-18.

Conditions:
Inborn genetic diseases. Identifiers: MedGen C0950123, MeSH D030342.
Developmental and epileptic encephalopathy. Identifiers: MedGen C5779964, MONDO:0100620.

Allele frequency attached by ClinVar (database versions not stated): gnomAD exomes below 0.00001 and 0.00002; gnomAD 0.00001; TOPMed 0.00002; ESP Exome Variant Server 0.00008.

Submissions (2):

Ambry Genetics
Classification: Uncertain significance for Inborn genetic diseases. Last evaluated: 2025-06-18. Review status: criteria provided, single submitter. Criteria: Ambry Variant Classification Scheme 2023. Collection method: clinical testing. Allele origin: germline.

Labcorp Genetics (formerly Invitae), Labcorp
Classification: Uncertain significance for Early-infantile DEE. Last evaluated: 2022-05-06. Review status: criteria provided, single submitter. Criteria: Invitae Variant Classification Sherloc (09022015). Collection method: clinical testing. Allele origin: germline.
Comment: This sequence change replaces aspartic acid, which is acidic and polar, with glycine, which is neutral and non-polar, at codon 467 of the CACNA2D2 protein (p.Asp467Gly). This variant is present in population databases (rs377399843, gnomAD 0.003%). This variant has not been reported in the literature in individuals affected with CACNA2D2-related conditions. ClinVar contains an entry for this variant (Variation ID: 999809). Algorithms developed to predict the effect of missense changes on protein structure and function are either unavailable or do not agree on the potential impact of this missense change (SIFT: "Deleterious"; PolyPhen-2: "Probably Damaging"; Align-GVGD: "Class C0"). Algorithms developed to predict the effect of sequence changes on RNA splicing suggest that this variant may create or strengthen a splice site. In summary, the available evidence is currently insufficient to determine the role of this variant in disease. Therefore, it has been classified as a Variant of Uncertain Significance.